The following is an entry in ClinVar:

NM_002692.4(POLE2):c.19C>G (p.Arg7Gly)

Gene: POLE2 (DNA polymerase epsilon 2, accessory subunit; minus strand). Cytogenetic location: 14q21.3.
Variant type: single nucleotide variant.
Coding change: c.19C>G on transcript NM_002692.4 (MANE Select); coding-DNA position 19, C replaced by G.
Protein change: p.Arg7Gly; replaces arginine 7 with glycine.
Molecular consequence: missense variant. On other transcripts: 5 prime UTR variant (1).
Genome position (GRCh38, 1-based): chr14:49,688,185, G>C on the plus strand (C>G on the coding strand, the complement: POLE2 is on the minus strand). VCF-style: chr14-49688185-G-C. GRCh37 (hg19) VCF-style: chr14-50154903-G-C.
Other names: c.19C>G, p.Arg7Gly (NM_001197330.2, NM_001197331.3, NM_001348384.2); c.-217C>G (NM_001348385.2); short protein forms R7G.
Identifiers: ClinVar variation 3663577 (VCV003663577.2).

ClinVar aggregate classification (germline): Uncertain significance (1 of 4 stars; one submission).

gnomAD v4.1: 1 of 1,538,540 alleles (0.000065%); highest among the groups gnomAD compares: South Asian, 0.0012%; no homozygotes.

Submission:

Labcorp Genetics (formerly Invitae), Labcorp
Classification: Uncertain significance. Last evaluated: 2025-05-12. Review status: criteria provided, single submitter. Criteria: Invitae Variant Classification Sherloc (09022015). Collection method: clinical testing. Allele origin: germline.
Comment: This sequence change replaces arginine, which is basic and polar, with glycine, which is neutral and non-polar, at codon 7 of the POLE2 protein (p.Arg7Gly). This variant is present in population databases (rs774328784, gnomAD 0.005%). This variant has not been reported in the literature in individuals affected with POLE2-related conditions. ClinVar contains an entry for this variant (Variation ID: 3663577). An algorithm developed to predict the effect of missense changes on protein structure and function (PolyPhen-2) suggests that this variant is likely to be disruptive. In summary, the available evidence is currently insufficient to determine the role of this variant in disease. Therefore, it has been classified as a Variant of Uncertain Significance.